The following is an entry in ClinVar:

ClinVar aggregate classification (germline): Likely benign. Review status: criteria provided, multiple submitters, no conflicts (2 of 4 stars). 2 submissions from 2 submitters: Likely benign (2). Last evaluated 2024-10-15.

Conditions:
Frontotemporal dementia and/or amyotrophic lateral sclerosis 7 (FTDALS7). Also called: CHMP2B-related frontotemporal dementia; AMYOTROPHIC LATERAL SCLEROSIS, CHMP2B-RELATED; Amyotrophic lateral sclerosis 17; CHMP2B-Related Frontotemporal Dementia-Amyotrophic Lateral Sclerosis. Identifiers: Orphanet 275864, Orphanet 282, Orphanet 803, MedGen C1833296, MONDO:0010936, OMIM 600795.

Allele frequency attached by ClinVar (database versions not stated): gnomAD exomes 0.00001; ExAC 0.00003.
gnomAD v4.1: 20 of 1,612,406 alleles (0.0012%); highest among the groups gnomAD compares: South Asian, 0.0055%; no homozygotes.

Submissions (2):

Labcorp Genetics (formerly Invitae), Labcorp
Classification: Likely benign for Frontotemporal dementia and/or amyotrophic lateral sclerosis 7. Last evaluated: 2024-10-15. Review status: criteria provided, single submitter. Criteria: Invitae Variant Classification Sherloc (09022015). Collection method: clinical testing. Allele origin: germline.

Women's Health and Genetics/Laboratory Corporation of America, LabCorp
Classification: Likely benign. Last evaluated: 2024-03-11. Review status: criteria provided, single submitter. Criteria: LabCorp Variant Classification Summary - May 2015. Collection method: clinical testing. Allele origin: germline.
Comment: Variant summary: CHMP2B c.114A>G alters a non-conserved nucleotide resulting in a synonymous change. Consensus agreement among computation tools predict no significant impact on normal splicing. However, these predictions have yet to be confirmed by functional studies. The variant allele was found at a frequency of 2e-05 in 251298 control chromosomes. The available data on variant occurrences in the general population are insufficient to allow any conclusion about variant significance. To our knowledge, no occurrence of c.114A>G in individuals affected with Frontotemporal Dementia And/or Amyotrophic Lateral Sclerosis 7 and no experimental evidence demonstrating its impact on protein function have been reported. ClinVar contains an entry for this variant (Variation ID: 2932285). Based on the evidence outlined above, the variant was classified as likely benign.

NM_014043.4(CHMP2B):c.114A>G (p.Gln38=)

Gene: CHMP2B (charged multivesicular body protein 2B; plus strand). Cytogenetic location: 3p11.2.
Variant type: single nucleotide variant.
Coding change: c.114A>G on transcript NM_014043.4 (MANE Select); coding-DNA position 114, A replaced by G.
Protein change: p.Gln38=; no amino-acid change (glutamine 38 retained).
Molecular consequence: synonymous variant. On other transcripts: intron variant (1).
Genome position (GRCh38, 1-based): chr3:87,240,778, A>G. VCF-style: chr3-87240778-A-G. GRCh37 (hg19) VCF-style: chr3-87289928-A-G.
Other names: c.210A>G, p.Gln70= (NM_001410777.1); c.4-4936A>G (NM_001244644.2).
Identifiers: ClinVar variation 2932285 (VCV002932285.5), dbSNP rs750983989, ClinGen allele CA2500896.
Genomic context (GRCh38, chr3:87,240,778, plus strand): 5'-TCGAGAGTTACGAGGTACACAGAGGGCTATAATCAGAGATCGAGCAGCTTTAGAGAAACA[A>G]GAAAAACAGCTGGTAAGTAGAACGTTAAATTTCAGTTTAACTTTTCAAACAAATTTGGAA-3'
Protein context (NP_054762.2, residues 28-48): IIRDRAALEK[Gln38=]EKQLELEIKK